The following is an entry in ClinVar:

ClinVar aggregate classification (germline): Likely benign (1 of 4 stars; one submission).

Allele frequency attached by ClinVar (database versions not stated): gnomAD exomes 0.00087; ExAC 0.00208; 1000 Genomes Project 30x 0.00359; gnomAD 0.00399 and 0.00430; 1000 Genomes Project 0.00419; TOPMed 0.00441.
gnomAD v4.1: 1,163 of 1,548,028 alleles (0.075%); highest among the groups gnomAD compares: African/African-American, 1.4%; 12 homozygotes.

Submission:

GeneDx
Classification: Likely benign. Last evaluated: 2018-06-14. Review status: criteria provided, single submitter. Criteria: GeneDx Variant Classification (06012015). Collection method: clinical testing. Allele origin: germline. Affected: yes.
Comment: This variant is considered likely benign or benign based on one or more of the following criteria: it is a conservative change, it occurs at a poorly conserved position in the protein, it is predicted to be benign by multiple in silico algorithms, and/or has population frequency not consistent with disease.

NM_000548.5(TSC2):c.3884-68C>T

Gene: TSC2 (TSC complex subunit 2; plus strand). Cytogenetic location: 16p13.3.
Variant type: single nucleotide variant.
Coding change: c.3884-68C>T on transcript NM_000548.5 (MANE Select); 68 bases into the intron before coding-DNA position 3884, C replaced by T.
Molecular consequence: intron variant.
Genome position (GRCh38, 1-based): chr16:2,083,627, C>T. VCF-style: chr16-2083627-C-T. GRCh37 (hg19) VCF-style: chr16-2133628-C-T.
Other names: c.3815-68C>T (NM_001114382.3); c.3755-68C>T (NM_021055.3, NM_001370405.1); c.3686-68C>T (NM_001363528.2); c.3752-68C>T (NM_001370404.1); c.3683-68C>T (NM_001077183.3); c.3575-68C>T (NM_001318827.2); c.3152-68C>T (NM_001318831.2); c.3539-68C>T (NM_001318829.2); and 1 more.
Identifiers: ClinVar variation 673264 (VCV000673264.1), dbSNP rs114209035, ClinGen allele CA049443.
Genomic context (GRCh38, chr16:2,083,627, plus strand): 5'-GCAGAGCCCTGGGGAGGCTCGCAGGGCTGCTGTCCCTCTGGTCAGGAGAAGGCTGGTTCT[C>T]GGAGGCCACGTCAGGGCCAGGGCCTGGCCCAGCCCCACATCCAGCAGCCCCGTCTGTGTC-3'